The following is an entry in ClinVar:

ClinVar aggregate classification (germline): Uncertain significance (1 of 4 stars; one submission).

Allele frequency attached by ClinVar (database versions not stated): gnomAD 0.00001; TOPMed 0.00002.
gnomAD v4.1: 18 of 1,609,720 alleles (0.0011%); highest among the groups gnomAD compares: Middle Eastern, 0.017%; no homozygotes.

Submission:

Labcorp Genetics (formerly Invitae), Labcorp
Classification: Uncertain significance. Last evaluated: 2021-07-21. Review status: criteria provided, single submitter. Criteria: Invitae Variant Classification Sherloc (09022015). Collection method: clinical testing. Allele origin: germline.
Comment: In summary, the available evidence is currently insufficient to determine the role of this variant in disease. Therefore, it has been classified as a Variant of Uncertain Significance. Algorithms developed to predict the effect of missense changes on protein structure and function output the following: SIFT: "Tolerated"; PolyPhen-2: "Benign"; Align-GVGD: "Class C0". The threonine amino acid residue is found in multiple mammalian species, which suggests that this missense change does not adversely affect protein function. This variant has not been reported in the literature in individuals affected with CLIC5-related conditions. This variant is not present in population databases (ExAC no frequency). This sequence change replaces alanine with threonine at codon 321 of the CLIC5 protein (p.Ala321Thr). The alanine residue is moderately conserved and there is a small physicochemical difference between alanine and threonine.

NM_016929.5(CLIC5):c.484G>A (p.Ala162Thr)

Gene: CLIC5 (chloride intracellular channel 5; minus strand). Cytogenetic location: 6p21.1.
Variant type: single nucleotide variant.
Coding change: c.484G>A on transcript NM_016929.5 (MANE Select); coding-DNA position 484, G replaced by A.
Protein change: p.Ala162Thr; replaces alanine 162 with threonine.
Molecular consequence: missense variant. On other transcripts: non-coding transcript variant (3).
Genome position (GRCh38, 1-based): chr6:45,914,332, C>T on the plus strand (G>A on the coding strand, the complement: CLIC5 is on the minus strand). VCF-style: chr6-45914332-C-T. GRCh37 (hg19) VCF-style: chr6-45882069-C-T.
Other names: c.961G>A, p.Ala321Thr (NM_001114086.2, NM_001370650.1); c.484G>A, p.Ala162Thr (NM_001256023.2); c.367G>A, p.Ala123Thr (NM_001370649.1); short protein forms A123T, A321T, A162T.
Identifiers: ClinVar variation 1446867 (VCV001446867.8), dbSNP rs922400240, ClinGen allele CA138529236.